The following is an entry in ClinVar:

NM_000179.3(MSH6):c.2900_2901del (p.Ile967fs)

Gene: MSH6 (mutS homolog 6; plus strand). Cytogenetic location: 2p16.3.
Variant type: Deletion.
Coding change: c.2900_2901del on transcript NM_000179.3 (MANE Select); coding-DNA positions 2900 to 2901, 2 bases deleted (TA; older notation c.2900_2901delTA).
Protein change: p.Ile967fs; shifts the reading frame from isoleucine 967.
Molecular consequence: frameshift variant.
Genome position (GRCh38, 1-based): chr2:47,800,883-47,800,884, TA deleted; deleting any 2 consecutive bases within chr2:47,800,882-47,800,884 gives the same sequence; the c. name uses the placement nearest the transcript's 3' end. VCF-style (leftmost placement, unchanged base first): chr2-47800881-CAT-C. GRCh37 (hg19) VCF-style: chr2-48028020-CAT-C.
Other names: c.2906_2907delTA, p.Ile969Serfs (NM_001406813.1); c.1994_1995delTA, p.Ile665Serfs (NM_001406814.1, NM_001406815.1, NM_001406816.1 and 4 more transcripts); c.2603_2604delTA, p.Ile868Serfs (NM_001406818.1, NM_001406819.1, NM_001406820.1 and 10 more transcripts); c.2732_2733delTA, p.Ile911Serfs (NM_001406826.1); c.845_846delTA, p.Ile282Serfs (NM_001407362.1); c.2510_2511del, p.Ile837fs (NM_001281492.2); c.1994_1995del, p.Ile665fs (NM_001281493.2, NM_001281494.2); c.2996_2997delTA, p.Ile999Serfs (NM_001406795.1, NM_001406802.1); and 3 more; short protein forms I665fs, I837fs, I967fs.
Identifiers: ClinVar variation 1966113 (VCV001966113.5), dbSNP rs2530700548, ClinGen allele CA2580068104.

ClinVar aggregate classification (germline): Pathogenic (1 of 4 stars; one submission).

Conditions:
Hereditary nonpolyposis colorectal neoplasms. Identifiers: MedGen C0009405, MeSH D003123.

Submission:

Labcorp Genetics (formerly Invitae), Labcorp
Classification: Pathogenic for Hereditary nonpolyposis colorectal neoplasms. Last evaluated: 2022-02-20. Review status: criteria provided, single submitter. Criteria: Invitae Variant Classification Sherloc (09022015). Collection method: clinical testing. Allele origin: germline.
Comment: This variant has not been reported in the literature in individuals affected with MSH6-related conditions. This variant is not present in population databases (gnomAD no frequency). This sequence change creates a premature translational stop signal (p.Ile967Serfs*7) in the MSH6 gene. It is expected to result in an absent or disrupted protein product. Loss-of-function variants in MSH6 are known to be pathogenic (PMID: 18269114, 24362816). For these reasons, this variant has been classified as Pathogenic.

Literature cited by the submitters: PubMed 18269114; PubMed 24362816.